The following is an entry in ClinVar:

ClinVar aggregate classification (germline): Uncertain significance (1 of 4 stars; one submission).

Conditions:
Drash syndrome (DDS). Also called: NEPHROPATHY, WILMS TUMOR, AND GENITAL ANOMALIES; WILMS TUMOR AND PSEUDO- OR TRUE HERMAPHRODITISM. Identifiers: Orphanet 220, MedGen C0950121, MONDO:0008682, OMIM 194080.
Frasier syndrome. Identifiers: Orphanet 347, MedGen C0950122, MeSH D052159, MONDO:0007635, OMIM 136680.
Wilms tumor 1 (WT1). Also called: Wilms tumor, somatic. Identifiers: Orphanet 654, MedGen CN033288, MONDO:0008679, OMIM 194070.
11p partial monosomy syndrome (WAGR). Also called: WAGR Spectrum Disorder; WAGR syndrome; WAGR Complex; CHROMOSOME 11p13 DELETION SYNDROME. Identifiers: Orphanet 893, MedGen C0206115, MONDO:0008681, OMIM 194072.

Submission:

Labcorp Genetics (formerly Invitae), Labcorp
Classification: Uncertain significance for Wilms tumor 1; Drash syndrome; 11p partial monosomy syndrome; Frasier syndrome. Last evaluated: 2022-03-14. Review status: criteria provided, single submitter. Criteria: Invitae Variant Classification Sherloc (09022015). Collection method: clinical testing. Allele origin: germline.
Comment: This sequence change replaces alanine, which is neutral and non-polar, with valine, which is neutral and non-polar, at codon 99 of the WT1 protein (p.Ala99Val). This variant is not present in population databases (gnomAD no frequency). This variant has not been reported in the literature in individuals affected with WT1-related conditions. Algorithms developed to predict the effect of missense changes on protein structure and function are either unavailable or do not agree on the potential impact of this missense change (SIFT: "Deleterious"; PolyPhen-2: "Benign"; Align-GVGD: "Class C0"). In summary, the available evidence is currently insufficient to determine the role of this variant in disease. Therefore, it has been classified as a Variant of Uncertain Significance.

NM_024426.6(WT1):c.311C>T (p.Ala104Val)

Genes: WT1 (WT1 transcription factor; minus strand), LOC107982234 (WT1/WT1-AS bi-directional promoter region; plus strand). Cytogenetic location: 11p13.
Variant type: single nucleotide variant.
Coding change: c.311C>T on transcript NM_024426.6 (MANE Select); coding-DNA position 311, C replaced by T.
Protein change: p.Ala104Val; replaces alanine 104 with valine.
Molecular consequence: missense variant. On other transcripts: non-coding transcript variant (1).
Genome position (GRCh38, 1-based): chr11:32,435,050, G>A on the plus strand (C>T on the coding strand, the complement: WT1 is on the minus strand). VCF-style: chr11-32435050-G-A. GRCh37 (hg19) VCF-style: chr11-32456596-G-A.
Other names: c.311C>T, p.Ala104Val (NM_000378.6, NM_001407044.1, NM_001407045.1 and 6 more transcripts); c.296C>T, p.Ala99Val (NM_024425.2); short protein forms A99V, A104V.
Identifiers: ClinVar variation 2111730 (VCV002111730.4), dbSNP rs1044394214, ClinGen allele CA379965951.